The following is an entry in ClinVar:

NM_000202.8(IDS):c.754G>A (p.Asp252Asn)

Genes: IDS (iduronate 2-sulfatase; minus strand), LOC106050102 (IDS recombination region; plus strand). Cytogenetic location: Xq28.
Variant type: single nucleotide variant.
Coding change: c.754G>A on transcript NM_000202.8 (MANE Select); coding-DNA position 754, G replaced by A.
Protein change: p.Asp252Asn; replaces aspartic acid 252 with asparagine.
Molecular consequence: missense variant. On other transcripts: non-coding transcript variant (1).
Genome position (GRCh38, 1-based): chrX:149,496,471, C>T on the plus strand (G>A on the coding strand, the complement: IDS is on the minus strand). VCF-style: chrX-149496471-C-T. GRCh37 (hg19) VCF-style: chrX-148578002-C-T.
Other names: c.484G>A, p.Asp162Asn (NM_001166550.4); c.754G>A, p.Asp252Asn (NM_006123.5); short protein forms D252N, D162N.
Identifiers: ClinVar variation 425514 (VCV000425514.65), dbSNP rs146458524, ClinGen allele CA10537604.
Genomic context (GRCh38, chrX:149,496,471, plus strand): 5'-GCCTGATGTCCATCCAGGGGTTGTAGGCCACAGGGGGTAGGCCATCAGGGACCTCGGGAT[C>T]GGGGGCCAGGGTGATGTTCTCCAAGGGATACAACTTCTGAAATTCCTTGGGGAAAAACAC-3'
Protein context (NP_000193.1, residues 242-262): YPLENITLAP[Asp252Asn]PEVPDGLPPV

ClinVar aggregate classification (germline): Conflicting classifications of pathogenicity. Review status: criteria provided, conflicting classifications (1 of 4 stars). 12 submissions from 12 submitters: Uncertain significance (1); Benign (3); Likely benign (1). 7 of the submissions do not count toward it. Last evaluated 2026-02-04.

Conditions:
Mucopolysaccharidosis, MPS-II (MPS2). Also called: Mucopolysaccharidosis with skin involvement; Attenuated MPS (subtype; formerly known as mild MPS II); Severe MPS II; I2S deficiency; MPS 2; Hunter Syndrome. Identifiers: Orphanet 580, Orphanet 79388, MedGen C0026705, MONDO:0010674, OMIM 309900.
Mucopolysaccharidosis, MPS-III-A (MPS3A). Also called: mucopolysaccharidosis type 3A; Mucopolysaccharidosis type IIIA (Sanfilippo A); MUCOPOLYSACCHARIDOSIS, TYPE IIIA, ATTENUATED; MPS III A; SANFILIPPO SYNDROME A; SULFAMIDASE DEFICIENCY. Identifiers: Orphanet 581, Orphanet 79269, MedGen C0086647, MONDO:0009655, OMIM 252900.
Inborn genetic diseases. Identifiers: MedGen C0950123, MeSH D030342.

Allele frequency attached by ClinVar (database versions not stated): 1000 Genomes Project 30x 0.00146; 1000 Genomes Project 0.00185; TOPMed 0.00208; ESP Exome Variant Server 0.00227; gnomAD 0.00372.
gnomAD v4.1: 3,666 of 1,209,407 alleles (0.3%); highest among the groups gnomAD compares: Non-Finnish European, 0.3%; 7 homozygotes.

Submissions (12):

Labcorp Genetics (formerly Invitae), Labcorp
Classification: Benign for Mucopolysaccharidosis, MPS-II. Last evaluated: 2026-02-04. Review status: criteria provided, single submitter. Criteria: Invitae Variant Classification Sherloc (09022015). Collection method: clinical testing. Allele origin: germline.

Blueprint Genetics
Classification: Likely benign. Last evaluated: 2024-11-24. Review status: criteria provided, single submitter. Criteria: ACMG Guidelines, 2015. Collection method: clinical testing. Allele origin: germline.

Genome-Nilou Lab
Classification: Benign for Mucopolysaccharidosis, MPS-II. Last evaluated: 2021-09-05. Review status: criteria provided, single submitter. Criteria: ACMG Guidelines, 2015. Collection method: clinical testing. Allele origin: germline. Affected: no.

Ambry Genetics
Classification: Benign for Inborn genetic diseases. Last evaluated: 2017-05-30. Review status: criteria provided, single submitter. Criteria: Ambry Variant Classification Scheme 2023. Collection method: clinical testing. Allele origin: germline.

CeGaT Center for Human Genetics Tuebingen
Classification: Uncertain significance. Last evaluated: 2016-09-01. Review status: criteria provided, single submitter. Criteria: CeGaT Center For Human Genetics Tuebingen Variant Classification Criteria Version 2. Collection method: clinical testing. Allele origin: germline. Affected: yes. Observed: 1 variant allele.

Natera, Inc.
Classification: Likely benign for Mucopolysaccharidosis type IIIA. Last evaluated: 2020-01-31. Review status: no assertion criteria provided. Collection method: clinical testing. Allele origin: germline. Not counted in ClinVar's aggregate classification.

Clinical Genetics DNA and cytogenetics Diagnostics Lab, Erasmus MC, Erasmus Medical Center
Classification: Benign. Review status: no assertion criteria provided. Collection method: clinical testing. Allele origin: germline. Affected: yes. Study: VKGL Data-share Consensus. Not counted in ClinVar's aggregate classification.

Clinical Genetics, Academic Medical Center
Classification: Benign. Review status: no assertion criteria provided. Collection method: clinical testing. Allele origin: germline. Affected: yes. Study: VKGL Data-share Consensus. Not counted in ClinVar's aggregate classification.

Diagnostic Laboratory, Department of Genetics, University Medical Center Groningen
Classification: Benign. Review status: no assertion criteria provided. Collection method: clinical testing. Allele origin: germline. Affected: yes. Study: VKGL Data-share Consensus. Not counted in ClinVar's aggregate classification.

Genome Diagnostics Laboratory, University Medical Center Utrecht
Classification: Benign. Review status: no assertion criteria provided. Collection method: clinical testing. Allele origin: germline. Affected: yes. Study: VKGL Data-share Consensus. Not counted in ClinVar's aggregate classification.

Laboratory of Diagnostic Genome Analysis, Leiden University Medical Center (LUMC)
Classification: Likely benign. Review status: no assertion criteria provided. Collection method: clinical testing. Allele origin: germline. Affected: yes. Study: VKGL Data-share Consensus. Not counted in ClinVar's aggregate classification.

Laboratory of Diagnosis and Therapy of Lysosomal Disorders, University of Padova
Classification: Likely pathogenic for Mucopolysaccharidosis, MPS-II. Last evaluated: 2024-06-07. Review status: flagged submission. Criteria: ACMG Guidelines, 2015. Collection method: literature only. Allele origin: germline. Affected: yes. Observed: 2 variant alleles. Not counted in ClinVar's aggregate classification.
Comment: Absent from controls (or at low frequency) in gnomAD database (PM2_Moderate), Missense variant in a gene with a low rate of benign missense variation (PP2_Supporting), Patient’s phenotype or family history highly specific for the disease (PP4_Strong)

Classification method: ACMG Guidelines [PMID:25741868] with modifications
ClinVar note: Reason: Outlier claim with insufficient supporting evidence

Literature cited by the submitters: PubMed 16495038 (cited by Laboratory of Diagnosis and Therapy of Lysosomal Disorders, University of Padova); PubMed 8940265 (cited by Laboratory of Diagnosis and Therapy of Lysosomal Disorders, University of Padova).